The following is an entry in ClinVar:

ClinVar aggregate classification (germline): Conflicting classifications of pathogenicity. Review status: criteria provided, conflicting classifications (1 of 4 stars). 7 submissions from 7 submitters: Uncertain significance (1); Benign (3); Likely benign (3). Last evaluated 2026-02-01.

Conditions:
Megaloblastic anemia, thiamine-responsive, with diabetes mellitus and sensorineural deafness (TRMA). Also called: THIAMINE-RESPONSIVE ANEMIA SYNDROME; THIAMINE-RESPONSIVE MYELODYSPLASIA; THIAMINE METABOLISM DYSFUNCTION SYNDROME 1 (MEGALOBLASTIC ANEMIA, DIABETES MELLITUS, AND DEAFNESS TYPE); ROGERS SYNDROME; Thiamine-Responsive Megaloblastic Anemia Syndrome. Identifiers: Orphanet 49827, MedGen C0342287, MONDO:0009575, OMIM 249270.

Allele frequency attached by ClinVar (database versions not stated): gnomAD exomes 0.00088 and 0.00187; 1000 Genomes Project 30x 0.00094; 1000 Genomes Project 0.00100; ESP Exome Variant Server 0.00108; gnomAD 0.00123; TOPMed 0.00124; ExAC 0.00150.
gnomAD v4.1: 1,581 of 1,614,174 alleles (0.098%); highest among the groups gnomAD compares: Middle Eastern, 0.51%; 19 homozygotes.

Submissions (7):

Labcorp Genetics (formerly Invitae), Labcorp
Classification: Likely benign. Last evaluated: 2026-02-01. Review status: criteria provided, single submitter. Criteria: Invitae Variant Classification Sherloc (09022015). Collection method: clinical testing. Allele origin: germline.

CeGaT Center for Human Genetics Tuebingen
Classification: Likely benign. Last evaluated: 2025-07-01. Review status: criteria provided, single submitter. Criteria: CeGaT Center For Human Genetics Tuebingen Variant Classification Criteria Version 2. Collection method: clinical testing. Allele origin: germline. Affected: yes. Observed: 5 variant alleles.
Comment: SLC19A2: BP4

Blueprint Genetics
Classification: Likely benign. Last evaluated: 2024-11-22. Review status: criteria provided, single submitter. Criteria: ACMG Guidelines, 2015. Collection method: clinical testing. Allele origin: germline.

ARUP Laboratories, Molecular Genetics and Genomics, ARUP Laboratories
Classification: Benign for Megaloblastic anemia, thiamine-responsive, with diabetes mellitus and sensorineural deafness. Last evaluated: 2024-06-17. Review status: criteria provided, single submitter. Criteria: ARUP Molecular Germline Variant Investigation Process 2024. Collection method: clinical testing. Allele origin: germline.

Athena Diagnostics
Classification: Benign. Last evaluated: 2019-02-25. Review status: criteria provided, single submitter. Criteria: Athena Diagnostics Criteria. Collection method: clinical testing. Allele origin: germline.

GeneDx
Classification: Benign. Last evaluated: 2018-06-25. Review status: criteria provided, single submitter. Criteria: GeneDx Variant Classification Process June 2021. Collection method: clinical testing. Allele origin: germline. Affected: yes.

Illumina Laboratory Services, Illumina
Classification: Uncertain significance for Megaloblastic anemia, thiamine-responsive, with diabetes mellitus and sensorineural deafness. Last evaluated: 2018-01-12. Review status: criteria provided, single submitter. Criteria: ICSL Variant Classification Criteria 13 December 2019. Collection method: clinical testing. Allele origin: germline.

NM_006996.3(SLC19A2):c.639G>A (p.Lys213=)

Gene: SLC19A2 (solute carrier family 19 member 2; minus strand). Cytogenetic location: 1q24.2.
Variant type: single nucleotide variant.
Coding change: c.639G>A on transcript NM_006996.3 (MANE Select); coding-DNA position 639, G replaced by A.
Protein change: p.Lys213=; no amino-acid change (lysine 213 retained).
Molecular consequence: synonymous variant. On other transcripts: intron variant (1).
Genome position (GRCh38, 1-based): chr1:169,477,323, C>T on the plus strand (G>A on the coding strand, the complement: SLC19A2 is on the minus strand). VCF-style: chr1-169477323-C-T. GRCh37 (hg19) VCF-style: chr1-169446561-C-T.
Other names: c.205-7137G>A (NM_001319667.1).
Identifiers: ClinVar variation 293527 (VCV000293527.58), dbSNP rs137970656, ClinGen allele CA1233033.